The following is an entry in ClinVar:

NM_031220.4(PITPNM3):c.2036C>T (p.Ser679Phe)

Gene: PITPNM3 (PITPNM family member 3; minus strand). Cytogenetic location: 17p13.2.
Variant type: single nucleotide variant.
Coding change: c.2036C>T on transcript NM_031220.4 (MANE Select); coding-DNA position 2036, C replaced by T.
Protein change: p.Ser679Phe; replaces serine 679 with phenylalanine.
Molecular consequence: missense variant.
Genome position (GRCh38, 1-based): chr17:6,464,290, G>A on the plus strand (C>T on the coding strand, the complement: PITPNM3 is on the minus strand). VCF-style: chr17-6464290-G-A. GRCh37 (hg19) VCF-style: chr17-6367610-G-A.
Other names: c.1928C>T, p.Ser643Phe (NM_001165966.2); short protein forms S643F, S679F.
Identifiers: ClinVar variation 860004 (VCV000860004.10), dbSNP rs146074870, ClinGen allele CA8329292.
Genomic context (GRCh38, chr17:6,464,290, plus strand): 5'-TATGTGATGCGACCACTGCTGTTGGTGATCTCTGTGTCCAGGTGTACCCAGCGGCCTGAG[G>A]ATGGCTCTGCCATTACTAGGATGTCCACCTGCGGCAGTGAAGGGGGTCAGGGACTCCCTG-3'
Protein context (NP_112497.2, residues 669-689): KVDILVMAEP[Ser679Phe]SGRWVHLDTE

ClinVar aggregate classification (germline): Uncertain significance. Review status: criteria provided, multiple submitters, no conflicts (2 of 4 stars). 3 submissions from 3 submitters: Uncertain significance (3). Last evaluated 2025-09-26.

Conditions:
Cone-rod dystrophy 5 (CORD5). Identifiers: Orphanet 1872, MedGen C1832976, MONDO:0010969, OMIM 600977.

Allele frequency attached by ClinVar (database versions not stated): ExAC 0.00002; gnomAD exomes 0.00002; ESP Exome Variant Server 0.00008; gnomAD 0.00016 and 0.00017; 1000 Genomes Project 0.00040; 1000 Genomes Project 30x 0.00047; TOPMed 0.00058.
gnomAD v4.1: 44 of 1,614,048 alleles (0.0027%); highest among the groups gnomAD compares: Admixed American, 0.058%; no homozygotes.

Submissions (3):

Labcorp Genetics (formerly Invitae), Labcorp
Classification: Uncertain significance. Last evaluated: 2025-09-26. Review status: criteria provided, single submitter. Criteria: Invitae Variant Classification Sherloc (09022015). Collection method: clinical testing. Allele origin: germline.
Comment: This sequence change replaces serine, which is neutral and polar, with phenylalanine, which is neutral and non-polar, at codon 679 of the PITPNM3 protein (p.Ser679Phe). This variant is present in population databases (rs146074870, gnomAD 0.006%). This variant has not been reported in the literature in individuals affected with PITPNM3-related conditions. ClinVar contains an entry for this variant (Variation ID: 860004). Invitae Evidence Modeling of protein sequence and biophysical properties (such as structural, functional, and spatial information, amino acid conservation, physicochemical variation, residue mobility, and thermodynamic stability) indicates that this missense variant is not expected to disrupt PITPNM3 protein function with a negative predictive value of 80%. In summary, the available evidence is currently insufficient to determine the role of this variant in disease. Therefore, it has been classified as a Variant of Uncertain Significance.

Ambry Genetics
Classification: Uncertain significance. Last evaluated: 2024-03-25. Review status: criteria provided, single submitter. Criteria: Ambry Variant Classification Scheme 2023. Collection method: clinical testing. Allele origin: germline.

Fulgent Genetics
Classification: Uncertain significance for Cone-rod dystrophy 5. Last evaluated: 2021-10-22. Review status: criteria provided, single submitter. Criteria: ACMG Guidelines, 2015. Collection method: clinical testing. Allele origin: unknown.